The following is an entry in ClinVar:

ClinVar aggregate classification (germline): Pathogenic (1 of 4 stars; one submission).

Submission:

Labcorp Genetics (formerly Invitae), Labcorp
Classification: Pathogenic. Last evaluated: 2025-05-07. Review status: criteria provided, single submitter. Criteria: Invitae Variant Classification Sherloc (09022015). Collection method: clinical testing. Allele origin: germline.
Comment: This sequence change creates a premature translational stop signal (p.Arg635*) in the ANO6 gene. It is expected to result in an absent or disrupted protein product. Loss-of-function variants in ANO6 are known to be pathogenic (PMID: 21107324, 21511967, 27879994). This variant is not present in population databases (gnomAD no frequency). This variant has not been reported in the literature in individuals affected with ANO6-related conditions. For these reasons, this variant has been classified as Pathogenic.

Literature cited by the submitters: PubMed 21107324; PubMed 21511967; PubMed 27879994.

NM_001025356.3(ANO6):c.1903C>T (p.Arg635Ter)

Gene: ANO6 (anoctamin 6; plus strand). Cytogenetic location: 12q12.
Variant type: single nucleotide variant.
Coding change: c.1903C>T on transcript NM_001025356.3 (MANE Select); coding-DNA position 1903, C replaced by T.
Protein change: p.Arg635Ter; replaces arginine 635 with a stop codon.
Molecular consequence: nonsense.
Genome position (GRCh38, 1-based): chr12:45,409,379, C>T. VCF-style: chr12-45409379-C-T. GRCh37 (hg19) VCF-style: chr12-45803162-C-T.
Other names: c.1849C>T, p.Arg617Ter (NM_001142678.2); c.1903C>T, p.Arg635Ter (NM_001142679.2); c.1966C>T, p.Arg656Ter (NM_001204803.2); c.1870C>T, p.Arg624Ter (NM_001410973.1); short protein forms R624*, R656*, R617*, R635*.
Identifiers: ClinVar variation 4775439 (VCV004775439.1).
Genomic context (GRCh38, chr12:45,409,379, plus strand): 5'-AATATTCGTTCTAATTTATAAATTGTTCTTTTTGGCAGCTGGATCATGAATCTAATTGGG[C>T]GATTTCACAGAGTTTCTGGATCAGAAAAGATAACCCCACGATGGGAACAGGACTACCATC-3'